The following is an entry in ClinVar:

ClinVar aggregate classification (germline): Pathogenic (1 of 4 stars; one submission).

Conditions:
Familial cancer of breast. Also called: Hereditary breast cancer; hereditary breast carcinoma; BREAST CANCER, FAMILIAL. Identifiers: Orphanet 227535, MedGen C0346153, MONDO:0016419, OMIM 114480. Disease mechanism: loss of function.

Submission:

Labcorp Genetics (formerly Invitae), Labcorp
Classification: Pathogenic for Familial cancer of breast. Last evaluated: 2018-03-07. Review status: criteria provided, single submitter. Criteria: Invitae Variant Classification Sherloc (09022015). Collection method: clinical testing. Allele origin: germline.
Comment: For these reasons, this variant has been classified as Pathogenic. Retrotransposon insertions including LINE1 (L1), Alu, and SVA (SINE-VNTR-Alu) have been reported to be disease-causing through disruption of either a coding region or splice site (PMID: 19763152, 20307669, 22406018) and loss-of-function variants in PALB2 are known to be pathogenic (PMID: 17200668, 24136930, 25099575). A similar retrotransposon insertion has not been reported in the literature in individuals with PALB2-related disease. This sequence change inserts an SVA retrotransposon in exon 54 of the PALB2 mRNA (c.1342_1343insSVA), causing a frameshift at codon 448 (p.Ser448Metfs). The exact size and sequence of the insertion cannot be determined by the current assay. However, the insertion is expected to result in an absent or disrupted protein product.

Literature cited by the submitters: PubMed 19763152; PubMed 20307669; PubMed 22406018; PubMed 17200668; PubMed 24136930; PubMed 25099575.

NM_024675.4(PALB2):c.1342_1343insTAAAAATTTAAACCTTTCCAATGAGGAAACTGACCAAAGTGAAATTAGGATGTCTGGCACATGCACAGGACAACCAAGTTCAANNNNNNNNNAAAAAAAAAAAAAAAAAAAAAAATAAGGATGCAA (p.Ser448delinsIleLysIleTer)

Gene: PALB2 (partner and localizer of BRCA2; minus strand). Cytogenetic location: 16p12.2.
Variant type: Insertion.
Coding change: c.1342_1343insTAAAAATTTAAACCTTTCCAATGAGGAAACTGACCAAAGTGAAATTAGGATGTCTGGCACATGCACAGGACAACCAAGTTCAANNNNNNNNNAAAAAAAAAAAAAAAAAAAAAAATAAGGATGCAA on transcript NM_024675.4 (MANE Select); coding-DNA positions 1342 to 1343, TAAAAATTTAAACCTTTCCAATGAGGAAACTGACCAAAGTGAAATTAGGATGTCTGGCACATGCACAGGACAACCAAGTTCAANNNNNNNNNAAAAAAAAAAAAAAAAAAAAAAATAAGGATGCAA inserted.
Protein change: p.Ser448delinsIleLysIleTer.
Molecular consequence: nonsense.
Genome position: GRCh38: chr16:23,635,219-23,635,220. GRCh37 (hg19): chr16:23,646,540-23,646,541.
Identifiers: ClinVar variation 1070642 (VCV001070642.10), dbSNP rs2142418871.